The following is an entry in ClinVar:

ClinVar aggregate classification (germline): Uncertain significance. Review status: criteria provided, multiple submitters, no conflicts (2 of 4 stars). 2 submissions from 2 submitters: Uncertain significance (2). Last evaluated 2024-09-02.

Conditions:
Hereditary cancer-predisposing syndrome. Also called: Hereditary neoplastic syndrome; Neoplastic Syndromes, Hereditary; Tumor predisposition; Hereditary Cancer Syndrome. Identifiers: Orphanet 140162, MedGen C0027672, MeSH D009386, MONDO:0015356.
Neuroblastoma, susceptibility to, 3. Also called: ALK-Related Neuroblastic Tumor Susceptibility. Identifiers: Orphanet 635, MedGen C2751681, MONDO:0013083, OMIM 613014.

Submissions (2):

Ambry Genetics
Classification: Uncertain significance for Hereditary cancer-predisposing syndrome. Last evaluated: 2024-09-02. Review status: criteria provided, single submitter. Criteria: Ambry Variant Classification Scheme 2023. Collection method: clinical testing. Allele origin: germline.
Comment: The p.E465K variant (also known as c.1393G>A), located in coding exon 6 of the ALK gene, results from a G to A substitution at nucleotide position 1393. The glutamic acid at codon 465 is replaced by lysine, an amino acid with similar properties. This amino acid position is conserved. In addition, this alteration is predicted to be deleterious by in silico analysis. Based on the available evidence, the clinical significance of this variant remains unclear.

Labcorp Genetics (formerly Invitae), Labcorp
Classification: Uncertain significance for Neuroblastoma, susceptibility to, 3. Last evaluated: 2024-04-22. Review status: criteria provided, single submitter. Criteria: Invitae Variant Classification Sherloc (09022015). Collection method: clinical testing. Allele origin: germline.
Comment: This sequence change replaces glutamic acid, which is acidic and polar, with lysine, which is basic and polar, at codon 465 of the ALK protein (p.Glu465Lys). This variant is not present in population databases (gnomAD no frequency). This variant has not been reported in the literature in individuals affected with ALK-related conditions. ClinVar contains an entry for this variant (Variation ID: 470746). An algorithm developed to predict the effect of missense changes on protein structure and function (PolyPhen-2) suggests that this variant is likely to be disruptive. In summary, the available evidence is currently insufficient to determine the role of this variant in disease. Therefore, it has been classified as a Variant of Uncertain Significance.

NM_004304.5(ALK):c.1393G>A (p.Glu465Lys)

Gene: ALK (ALK receptor tyrosine kinase; minus strand). Cytogenetic location: 2p23.2.
Variant type: single nucleotide variant.
Coding change: c.1393G>A on transcript NM_004304.5 (MANE Select); coding-DNA position 1393, G replaced by A.
Protein change: p.Glu465Lys; replaces glutamic acid 465 with lysine.
Molecular consequence: missense variant.
Genome position (GRCh38, 1-based): chr2:29,328,371, C>T on the plus strand (G>A on the coding strand, the complement: ALK is on the minus strand). VCF-style: chr2-29328371-C-T. GRCh37 (hg19) VCF-style: chr2-29551237-C-T.
Other names: short protein forms E465K.
Identifiers: ClinVar variation 470746 (VCV000470746.10), dbSNP rs1553411110, ClinGen allele CA346474132.
Genomic context (GRCh38, chr2:29,328,371, plus strand): 5'-GCTGGGCTCAGGCAGGGTGGGGCAGCCCCATCTACTCACGGCACATCTGGCTCTCATCTT[C>T]TCCCTGGGCACAGTCCTGGTGGAAGTCACAGGCCTGCCCAAGCTGGAGGACTGTCCCATT-3'
Protein context (NP_004295.2, residues 455-475): CDFHQDCAQG[Glu465Lys]DESQMCRKLP